The following is an entry in ClinVar:

NM_000229.2(LCAT):c.136A>T (p.Thr46Ser)

Genes: LCAT (lecithin-cholesterol acyltransferase; minus strand), SLC12A4 (solute carrier family 12 member 4; minus strand). Cytogenetic location: 16q22.1.
Variant type: single nucleotide variant.
Coding change: c.136A>T on transcript NM_000229.2 (MANE Select); coding-DNA position 136, A replaced by T.
Protein change: p.Thr46Ser; replaces threonine 46 with serine.
Molecular consequence: missense variant. On other transcripts: 3 prime UTR variant (5).
Genome position (GRCh38, 1-based): chr16:67,943,966, T>A on the plus strand (A>T on the coding strand, the complement: LCAT is on the minus strand). VCF-style: chr16-67943966-T-A. GRCh37 (hg19) VCF-style: chr16-67977869-T-A.
Other names: c.*874A>T (NM_001145961.2, NM_001145962.1, NM_001145963.2 and 2 more transcripts); short protein forms T46S.
Identifiers: ClinVar variation 1771007 (VCV001771007.2), dbSNP rs761720102, ClinGen allele CA8121172.

ClinVar aggregate classification (germline): Uncertain significance (1 of 4 stars; one submission).

Conditions:
Cardiovascular phenotype. Identifiers: MedGen CN230736.

Allele frequency attached by ClinVar (database versions not stated): gnomAD exomes below 0.00001; gnomAD 0.00001; ExAC 0.00006.
gnomAD v4.1: 7 of 1,547,490 alleles (0.00045%); highest among the groups gnomAD compares: Non-Finnish European, 0.000087%; no homozygotes.

Submission:

Ambry Genetics
Classification: Uncertain significance for Cardiovascular phenotype. Last evaluated: 2022-02-12. Review status: criteria provided, single submitter. Criteria: Ambry Variant Classification Scheme 2023. Collection method: clinical testing. Allele origin: germline.
Comment: The p.T46S variant (also known as c.136A>T), located in coding exon 1 of the LCAT gene, results from an A to T substitution at nucleotide position 136. The threonine at codon 46 is replaced by serine, an amino acid with similar properties. This amino acid position is conserved. In addition, the in silico prediction for this alteration is inconclusive. Since supporting evidence is limited at this time, the clinical significance of this alteration remains unclear.